The following is an entry in ClinVar:

NM_021100.5(NFS1):c.1311-188C>T

Gene: NFS1 (NFS1 cysteine desulfurase; minus strand). Cytogenetic location: 20q11.22.
Variant type: single nucleotide variant.
Coding change: c.1311-188C>T on transcript NM_021100.5 (MANE Select); 188 bases into the intron before coding-DNA position 1311, C replaced by T.
Molecular consequence: intron variant.
Genome position (GRCh38, 1-based): chr20:35,669,873, G>A on the plus strand (C>T on the coding strand, the complement: NFS1 is on the minus strand). VCF-style: chr20-35669873-G-A. GRCh37 (hg19) VCF-style: chr20-34257795-G-A.
Other names: c.1158-188C>T (NM_001198989.2).
Identifiers: ClinVar variation 673743 (VCV000673743.1), dbSNP rs73616691, ClinGen allele CA314189273.

ClinVar aggregate classification (germline): Likely benign (1 of 4 stars; one submission).

Allele frequency attached by ClinVar (database versions not stated): TOPMed 0.00671; 1000 Genomes Project 30x 0.01530; 1000 Genomes Project 0.01558.
gnomAD v4.1: 966 of 152,256 alleles (0.63%); highest among the groups gnomAD compares: East Asian, 4%; 8 homozygotes.

Submission:

GeneDx
Classification: Likely benign. Last evaluated: 2018-06-16. Review status: criteria provided, single submitter. Criteria: GeneDx Variant Classification (06012015). Collection method: clinical testing. Allele origin: germline. Affected: yes.
Comment: This variant is considered likely benign or benign based on one or more of the following criteria: it is a conservative change, it occurs at a poorly conserved position in the protein, it is predicted to be benign by multiple in silico algorithms, and/or has population frequency not consistent with disease.